The following is an entry in ClinVar:

NC_000017.10:g.(?_16842861)_(18218092_?)dup

Genes: FLII (FLII actin remodeling protein; minus strand), ALKBH5 (alkB homolog 5, RNA demethylase; plus strand), ATPAF2 (ATP synthase mitochondrial F1 complex assembly factor 2; minus strand), COPS3 (COP9 signalosome subunit 3; minus strand), DRC3 (dynein regulatory complex subunit 3; plus strand) and 18 more. Cytogenetic location: 17p11.2.
Variant type: Duplication.
Identifiers: ClinVar variation 1458439 (VCV001458439.7).

ClinVar aggregate classification (germline): Uncertain significance. Review status: criteria provided, single submitter (1 of 4 stars). 2 submissions from 1 submitter: Uncertain significance (1). 1 of the submissions does not count toward it. Last evaluated 2022-10-17.

Conditions:
Birt-Hogg-Dube syndrome. Also called: Birt Hogg Dubé syndrome. Identifiers: Orphanet 122, MedGen C0346010, MONDO:0800444.

Submissions (2):

Labcorp Genetics (formerly Invitae), Labcorp
Classification: Uncertain significance for Birt-Hogg-Dube syndrome. Last evaluated: 2022-10-17. Review status: criteria provided, single submitter. Criteria: Invitae Variant Classification Sherloc (09022015). Collection method: clinical testing. Allele origin: germline.
Comment: A copy number gain of the genomic region encompassing the full coding sequence of the FLCN gene has been identified. The boundaries of this event are unknown as they extend beyond the assayed region for this gene and therefore may encompass additional genes. As the precise location of this event is unknown, it may be in tandem or it may be located elsewhere in the genome. This variant has not been reported in the literature in individuals affected with FLCN-related conditions. Experimental studies and prediction algorithms are not available or were not evaluated, and the functional significance of this variant is currently unknown. In summary, the available evidence is currently insufficient to determine the role of this variant in disease. Therefore, it has been classified as a Variant of Uncertain Significance.

Labcorp Genetics (formerly Invitae), Labcorp
Classification: Pathogenic. Last evaluated: 2021-12-14. Review status: flagged submission. Criteria: Invitae Variant Classification Sherloc (09022015). Collection method: clinical testing. Allele origin: germline. Not counted in ClinVar's aggregate classification.
Comment: A copy number gain of the genomic region encompassing the full coding sequence of the RAI1 gene has been identified. The boundaries of this event are unknown as they extend beyond the assayed region for this gene and therefore may encompass additional genes. As the precise location of this event is unknown, it may be in tandem or it may be located elsewhere in the genome. A similar copy number variant has been observed in individuals with Potocki-Lupski syndrome (PMID: 20188345). For these reasons, this variant has been classified as Pathogenic.
ClinVar note: Reason: This record appears to be redundant with a more recent record from the same submitter.
ClinVar note: Notes: SCV002238424 appears to be redundant with SCV003796394.

Literature cited by the submitters: PubMed 20188345.